The following is an entry in ClinVar:

NM_006031.6(PCNT):c.6073G>A (p.Val2025Ile)

Gene: PCNT (pericentrin; plus strand). Cytogenetic location: 21q22.3.
Variant type: single nucleotide variant.
Coding change: c.6073G>A on transcript NM_006031.6 (MANE Select); coding-DNA position 6073, G replaced by A.
Protein change: p.Val2025Ile; replaces valine 2025 with isoleucine.
Molecular consequence: missense variant.
Genome position (GRCh38, 1-based): chr21:46,412,915, G>A. VCF-style: chr21-46412915-G-A. GRCh37 (hg19) VCF-style: chr21-47832829-G-A.
Other names: c.6073G>A (NM_006031.5); c.5719G>A, p.Val1907Ile (NM_001315529.2); short protein forms V2025I, V1907I.
Identifiers: ClinVar variation 2185828 (VCV002185828.6), dbSNP rs768689871, ClinGen allele CA10080195.
Genomic context (GRCh38, chr21:46,412,915, plus strand): 5'-CTGGTGACGTTGAAGGATGCACCTCTCTGCAAGCAAGAAGGCGTGATGTCAGTGCTCACC[G>A]TCTGCCAGAGGCAGCTGCAGTCGGAGCTGCTCTTGGTGAAAAATGAAATGCGCCTGAGTC-3'
Protein context (NP_006022.3, residues 2015-2035): KQEGVMSVLT[Val2025Ile]CQRQLQSELL

ClinVar aggregate classification (germline): Conflicting classifications of pathogenicity. Review status: criteria provided, conflicting classifications (1 of 4 stars). 3 submissions from 3 submitters: Uncertain significance (2); Likely benign (1). Last evaluated 2025-12-22.

Conditions:
Inborn genetic diseases. Identifiers: MedGen C0950123, MeSH D030342.
PCNT-related disorder. Also called: PCNT-related condition.

Allele frequency attached by ClinVar (database versions not stated): gnomAD exomes 0.00001; ExAC 0.00002; gnomAD 0.00005; TOPMed 0.00007.
gnomAD v4.1: 26 of 1,612,562 alleles (0.0016%); highest among the groups gnomAD compares: Admixed American, 0.012%; no homozygotes.

Submissions (3):

Labcorp Genetics (formerly Invitae), Labcorp
Classification: Uncertain significance. Last evaluated: 2025-12-22. Review status: criteria provided, single submitter. Criteria: Invitae Variant Classification Sherloc (09022015). Collection method: clinical testing. Allele origin: germline.
Comment: This sequence change replaces valine, which is neutral and non-polar, with isoleucine, which is neutral and non-polar, at codon 2025 of the PCNT protein (p.Val2025Ile). This variant is present in population databases (rs768689871, gnomAD 0.01%). This variant has not been reported in the literature in individuals affected with PCNT-related conditions. ClinVar contains an entry for this variant (Variation ID: 2185828). An algorithm developed to predict the effect of missense changes on protein structure and function outputs the following: PolyPhen-2: "Benign". The isoleucine amino acid residue is found in multiple mammalian species, which suggests that this missense change does not adversely affect protein function. In summary, the available evidence is currently insufficient to determine the role of this variant in disease. Therefore, it has been classified as a Variant of Uncertain Significance.

PreventionGenetics, part of Exact Sciences
Classification: Uncertain significance for PCNT-related condition. Last evaluated: 2025-03-26. Review status: criteria provided, single submitter. Criteria: ACMG Guidelines, 2015. Collection method: clinical testing. Allele origin: germline.
Comment: The PCNT c.6073G>A variant is predicted to result in the amino acid substitution p.Val2025Ile. To our knowledge, this variant has not been reported in the literature. This variant is reported in 0.014% of alleles in individuals of Latino descent in gnomAD. At this time, the clinical significance of this variant is uncertain due to the absence of conclusive functional and genetic evidence.

Ambry Genetics
Classification: Likely benign for Inborn genetic diseases. Last evaluated: 2024-06-03. Review status: criteria provided, single submitter. Criteria: Ambry Variant Classification Scheme 2023. Collection method: clinical testing. Allele origin: germline.